The following is an entry in ClinVar:

ClinVar aggregate classification (germline): Uncertain significance. Review status: criteria provided, multiple submitters, no conflicts (2 of 4 stars). 2 submissions from 2 submitters: Uncertain significance (2). Last evaluated 2025-05-20.

Conditions:
Charcot-Marie-Tooth disease type 2. Also called: Charcot-Marie-Tooth type 2. Identifiers: Orphanet 64746, MedGen C0270914, MONDO:0018993.

Allele frequency attached by ClinVar (database versions not stated): gnomAD 0.00001; TOPMed 0.00001.
gnomAD v4.1: 12 of 1,614,046 alleles (0.00074%); highest among the groups gnomAD compares: Non-Finnish European, 0.00093%; no homozygotes.

Submissions (2):

Ambry Genetics
Classification: Uncertain significance. Last evaluated: 2025-05-20. Review status: criteria provided, single submitter. Criteria: Ambry Variant Classification Scheme 2023. Collection method: clinical testing. Allele origin: germline.

Labcorp Genetics (formerly Invitae), Labcorp
Classification: Uncertain significance for Charcot-Marie-Tooth disease type 2. Last evaluated: 2022-08-28. Review status: criteria provided, single submitter. Criteria: Invitae Variant Classification Sherloc (09022015). Collection method: clinical testing. Allele origin: germline.
Comment: This variant is not present in population databases (gnomAD no frequency). This sequence change replaces alanine, which is neutral and non-polar, with glutamic acid, which is acidic and polar, at codon 94 of the GARS protein (p.Ala94Glu). In summary, the available evidence is currently insufficient to determine the role of this variant in disease. Therefore, it has been classified as a Variant of Uncertain Significance. Algorithms developed to predict the effect of missense changes on protein structure and function are either unavailable or do not agree on the potential impact of this missense change (SIFT: "Deleterious"; PolyPhen-2: "Probably Damaging"; Align-GVGD: "Class C0"). ClinVar contains an entry for this variant (Variation ID: 543221). This variant has not been reported in the literature in individuals affected with GARS-related conditions.

NM_002047.4(GARS1):c.281C>A (p.Ala94Glu)

Gene: GARS1 (glycyl-tRNA synthetase 1; plus strand). Cytogenetic location: 7p14.3.
Variant type: single nucleotide variant.
Coding change: c.281C>A on transcript NM_002047.4 (MANE Select); coding-DNA position 281, C replaced by A.
Protein change: p.Ala94Glu; replaces alanine 94 with glutamic acid.
Molecular consequence: missense variant.
Genome position (GRCh38, 1-based): chr7:30,598,854, C>A. VCF-style: chr7-30598854-C-A. GRCh37 (hg19) VCF-style: chr7-30638470-C-A.
Other names: c.281C>A (LRG_243t1); c.119C>A, p.Ala40Glu (NM_001316772.1); short protein forms A94E, A40E.
Identifiers: ClinVar variation 543221 (VCV000543221.9), dbSNP rs1389930859, ClinGen allele CA367138971.